The following is an entry in ClinVar:

ClinVar aggregate classification (germline): Uncertain significance (1 of 4 stars; one submission).

Conditions:
Primary ciliary dyskinesia. Also called: Ciliary dyskinesia. Identifiers: Orphanet 244, MedGen C0008780, MONDO:0016575, HP:0012265.

Allele frequency attached by ClinVar (database versions not stated): ExAC 0.00002; gnomAD exomes 0.00001.

Submission:

Labcorp Genetics (formerly Invitae), Labcorp
Classification: Uncertain significance for Primary ciliary dyskinesia. Last evaluated: 2024-05-22. Review status: criteria provided, single submitter. Criteria: Invitae Variant Classification Sherloc (09022015). Collection method: clinical testing. Allele origin: germline.
Comment: This sequence change affects codon 747 of the RPGR mRNA. It is a 'silent' change, meaning that it does not change the encoded amino acid sequence of the RPGR protein. This variant also falls at the last nucleotide of exon 18, which is part of the consensus splice site for this exon. The frequency data for this variant in the population databases is considered unreliable, as metrics indicate poor data quality at this position in the gnomAD database. This variant has not been reported in the literature in individuals affected with RPGR-related conditions. ClinVar contains an entry for this variant (Variation ID: 2186933). Variants that disrupt the consensus splice site are a relatively common cause of aberrant splicing (PMID: 17576681, 9536098). Algorithms developed to predict the effect of sequence changes on RNA splicing suggest that this variant is not likely to affect RNA splicing. In summary, the available evidence is currently insufficient to determine the role of this variant in disease. Therefore, it has been classified as a Variant of Uncertain Significance.

Literature cited by the submitters: PubMed 17576681; PubMed 9536098.

NC_000023.11:g.38273386C>T

Gene: RPGR (retinitis pigmentosa GTPase regulator; minus strand). Cytogenetic location: Xp11.4.
Variant type: single nucleotide variant.
Molecular consequence: synonymous variant (on NM_000328.3). On other transcripts: non-coding transcript variant (6).
Genome position: GRCh38 VCF-style: chrX-38273386-C-T. GRCh37 (hg19) VCF-style: chrX-38132639-C-T.
Other names: c.2241G>A, p.Lys747= (NM_000328.3); c.2238G>A, p.Lys746= (NM_001367245.1); c.2055G>A, p.Lys685= (NM_001367246.1); c.1908G>A, p.Lys636= (NM_001367247.1); c.1938G>A, p.Lys646= (NM_001367248.1); c.1905G>A, p.Lys635= (NM_001367249.1, NM_001367250.1); c.1722G>A, p.Lys574= (NM_001367251.1).
Identifiers: ClinVar variation 2186933 (VCV002186933.3), dbSNP rs757598542, ClinGen allele CA10385073.